The following is an entry in ClinVar:

NM_004214.5(FIBP):c.525C>T (p.Ala175=)

Gene: FIBP (FGF1 intracellular binding protein; minus strand). Cytogenetic location: 11q13.1.
Variant type: single nucleotide variant.
Coding change: c.525C>T on transcript NM_004214.5 (MANE Select); coding-DNA position 525, C replaced by T.
Protein change: p.Ala175=; no amino-acid change (alanine 175 retained).
Molecular consequence: synonymous variant.
Genome position (GRCh38, 1-based): chr11:65,885,651, G>A on the plus strand (C>T on the coding strand, the complement: FIBP is on the minus strand). VCF-style: chr11-65885651-G-A. GRCh37 (hg19) VCF-style: chr11-65653122-G-A.
Other names: c.525C>T, p.Ala175= (NM_198897.2).
Identifiers: ClinVar variation 2641976 (VCV002641976.24), dbSNP rs2495607799, ClinGen allele CA475305292.

ClinVar aggregate classification (germline): Likely benign (1 of 4 stars; one submission).

Submission:

CeGaT Center for Human Genetics Tuebingen
Classification: Likely benign. Last evaluated: 2023-03-01. Review status: criteria provided, single submitter. Criteria: CeGaT Center For Human Genetics Tuebingen Variant Classification Criteria Version 2. Collection method: clinical testing. Allele origin: germline. Affected: yes. Observed: 1 variant allele.
Comment: FIBP: PM2:Supporting, BP4, BP7